The following is an entry in ClinVar:

NM_130398.4(EXO1):c.1378G>C (p.Val460Leu)

Gene: EXO1 (exonuclease 1; plus strand). Cytogenetic location: 1q43.
Variant type: single nucleotide variant.
Coding change: c.1378G>C on transcript NM_130398.4 (MANE Select); coding-DNA position 1378, G replaced by C.
Protein change: p.Val460Leu; replaces valine 460 with leucine.
Molecular consequence: missense variant.
Genome position (GRCh38, 1-based): chr1:241,872,142, G>C. VCF-style: chr1-241872142-G-C. GRCh37 (hg19) VCF-style: chr1-242035444-G-C.
Other names: c.1375G>C, p.Val459Leu (NM_001319224.2); c.1378G>C, p.Val460Leu (NM_003686.4, NM_006027.4); short protein forms V459L, V460L.
Identifiers: ClinVar variation 3056363 (VCV003056363.2), dbSNP rs4149966, ClinGen allele CA1481338.

ClinVar aggregate classification (germline): Benign (0 of 4 stars; one submission).

Conditions:
EXO1-related disorder. Also called: EXO1-related condition.

Allele frequency attached by ClinVar (database versions not stated): TOPMed 0.00587; ESP Exome Variant Server 0.00769; 1000 Genomes Project 30x 0.00874; 1000 Genomes Project 0.00919; gnomAD exomes 0.01038; ExAC 0.01147.
gnomAD v4.1: 16,213 of 1,613,962 alleles (1%); highest among the groups gnomAD compares: South Asian, 3.5%; 150 homozygotes.

Submission:

PreventionGenetics, part of Exact Sciences
Classification: Benign for EXO1-related condition. Last evaluated: 2019-03-06. Review status: no assertion criteria provided. Collection method: clinical testing. Allele origin: germline.
Comment: This variant is classified as benign based on ACMG/AMP sequence variant interpretation guidelines (Richards et al. 2015 PMID: 25741868, with internal and published modifications).